The following is an entry in ClinVar:

ClinVar aggregate classification (germline): Uncertain significance (1 of 4 stars; one submission).

Submission:

GeneDx
Classification: Uncertain significance. Last evaluated: 2023-07-28. Review status: criteria provided, single submitter. Criteria: GeneDx Variant Classification Process June 2021. Collection method: clinical testing. Allele origin: germline. Affected: yes.
Comment: Not observed at significant frequency in large population cohorts (gnomAD); In silico analysis supports that this missense variant has a deleterious effect on protein structure/function; Has not been previously published as pathogenic or benign to our knowledge

NM_182641.4(BPTF):c.7820A>G (p.Asn2607Ser)

Gene: BPTF (bromodomain PHD finger transcription factor; plus strand). Cytogenetic location: 17q24.2.
Variant type: single nucleotide variant.
Coding change: c.7820A>G on transcript NM_182641.4 (MANE Select); coding-DNA position 7820, A replaced by G.
Protein change: p.Asn2607Ser; replaces asparagine 2607 with serine.
Molecular consequence: missense variant.
Genome position (GRCh38, 1-based): chr17:67,948,200, A>G. VCF-style: chr17-67948200-A-G. GRCh37 (hg19) VCF-style: chr17-65944316-A-G.
Other names: c.7769A>G, p.Asn2590Ser (NM_004459.7); short protein forms N2590S, N2607S.
Identifiers: ClinVar variation 1311860 (VCV001311860.4), dbSNP rs2147995059, ClinGen allele CA400728320.